The following is an entry in ClinVar:

NM_015488.5(PNKD):c.218A>G (p.Lys73Arg)

Gene: PNKD (PNKD metallo-beta-lactamase domain containing; plus strand). Cytogenetic location: 2q35.
Variant type: single nucleotide variant.
Coding change: c.218A>G on transcript NM_015488.5 (MANE Select); coding-DNA position 218, A replaced by G.
Protein change: p.Lys73Arg; replaces lysine 73 with arginine.
Molecular consequence: missense variant.
Genome position (GRCh38, 1-based): chr2:218,271,531, A>G. VCF-style: chr2-218271531-A-G. GRCh37 (hg19) VCF-style: chr2-219136254-A-G.
Other names: c.218A>G, p.Lys73Arg (NM_001077399.3); short protein forms K73R.
Identifiers: ClinVar variation 2842246 (VCV002842246.3), dbSNP rs2469258030, ClinGen allele CA350544901.

ClinVar aggregate classification (germline): Uncertain significance (1 of 4 stars; one submission).

Conditions:
Paroxysmal nonkinesigenic dyskinesia. Also called: Paroxysmal non-kinesigenic dyskinesia. Identifiers: Orphanet 98810, MedGen C1869117, MONDO:0700088.

Submission:

Labcorp Genetics (formerly Invitae), Labcorp
Classification: Uncertain significance for Paroxysmal nonkinesigenic dyskinesia. Last evaluated: 2023-03-14. Review status: criteria provided, single submitter. Criteria: Invitae Variant Classification Sherloc (09022015). Collection method: clinical testing. Allele origin: germline.
Comment: An algorithm developed to predict the effect of missense changes on protein structure and function (PolyPhen-2) suggests that this variant is likely to be tolerated. In summary, the available evidence is currently insufficient to determine the role of this variant in disease. Therefore, it has been classified as a Variant of Uncertain Significance. This variant has not been reported in the literature in individuals affected with PNKD-related conditions. This sequence change replaces lysine, which is basic and polar, with arginine, which is basic and polar, at codon 73 of the PNKD protein (p.Lys73Arg). This variant is not present in population databases (gnomAD no frequency).